The following is an entry in ClinVar:

ClinVar aggregate classification (germline): Uncertain significance. Review status: criteria provided, multiple submitters, no conflicts (2 of 4 stars). 2 submissions from 2 submitters: Uncertain significance (2). Last evaluated 2025-01-18.

gnomAD v4.1: 1 of 1,613,864 alleles (0.000062%); highest among the groups gnomAD compares: Admixed American, 0.0017%; no homozygotes.

Submissions (2):

Labcorp Genetics (formerly Invitae), Labcorp
Classification: Uncertain significance. Last evaluated: 2025-01-18. Review status: criteria provided, single submitter. Criteria: Invitae Variant Classification Sherloc (09022015). Collection method: clinical testing. Allele origin: germline.
Comment: This sequence change replaces proline, which is neutral and non-polar, with leucine, which is neutral and non-polar, at codon 683 of the COL9A2 protein (p.Pro683Leu). This variant is not present in population databases (gnomAD no frequency). This variant has not been reported in the literature in individuals affected with COL9A2-related conditions. ClinVar contains an entry for this variant (Variation ID: 1306019). Invitae Evidence Modeling of protein sequence and biophysical properties (such as structural, functional, and spatial information, amino acid conservation, physicochemical variation, residue mobility, and thermodynamic stability) indicates that this missense variant is not expected to disrupt COL9A2 protein function with a negative predictive value of 95%. In summary, the available evidence is currently insufficient to determine the role of this variant in disease. Therefore, it has been classified as a Variant of Uncertain Significance.

GeneDx
Classification: Uncertain significance. Last evaluated: 2019-05-20. Review status: criteria provided, single submitter. Criteria: GeneDx Variant Classification Process June 2021. Collection method: clinical testing. Allele origin: germline. Affected: yes.
Comment: Has not been previously published as pathogenic or benign to our knowledge; Not observed in large population cohorts (Lek et al., 2016); In silico analysis, which includes protein predictors and evolutionary conservation, supports that this variant does not alter protein structure/function

NM_001852.4(COL9A2):c.2048C>T (p.Pro683Leu)

Gene: COL9A2 (collagen type IX alpha 2 chain; minus strand). Cytogenetic location: 1p34.2.
Variant type: single nucleotide variant.
Coding change: c.2048C>T on transcript NM_001852.4 (MANE Select); coding-DNA position 2048, C replaced by T.
Protein change: p.Pro683Leu; replaces proline 683 with leucine.
Molecular consequence: missense variant.
Genome position (GRCh38, 1-based): chr1:40,301,204, G>A on the plus strand (C>T on the coding strand, the complement: COL9A2 is on the minus strand). VCF-style: chr1-40301204-G-A. GRCh37 (hg19) VCF-style: chr1-40766876-G-A.
Other names: short protein forms P683L.
Identifiers: ClinVar variation 1306019 (VCV001306019.6), dbSNP rs1476528021, ClinGen allele CA339873744.